The following is an entry in ClinVar:

NM_001098671.2(RASGRP2):c.239+1G>A

Gene: RASGRP2 (RAS guanyl releasing protein 2; minus strand). Cytogenetic location: 11q13.1.
Variant type: single nucleotide variant.
Coding change: c.239+1G>A on transcript NM_001098671.2 (MANE Select); the canonical splice donor site of the intron after coding-DNA position 239, G replaced by A.
Molecular consequence: splice donor variant.
Genome position (GRCh38, 1-based): chr11:64,741,438, C>T on the plus strand (G>A on the coding strand, the complement: RASGRP2 is on the minus strand). VCF-style: chr11-64741438-C-T. GRCh37 (hg19) VCF-style: chr11-64508910-C-T.
Other names: c.239+1G>A (NM_153819.2, NM_001440690.1, NM_001440698.1 and 15 more transcripts); c.-197+1G>A (NM_001318398.2).
Identifiers: ClinVar variation 2748895 (VCV002748895.3), dbSNP rs2496576349, ClinGen allele CA381155493.

ClinVar aggregate classification (germline): Likely pathogenic (1 of 4 stars; one submission).

Submission:

Labcorp Genetics (formerly Invitae), Labcorp
Classification: Likely pathogenic. Last evaluated: 2023-12-17. Review status: criteria provided, single submitter. Criteria: Invitae Variant Classification Sherloc (09022015). Collection method: clinical testing. Allele origin: germline.
Comment: This sequence change affects a donor splice site in intron 4 of the RASGRP2 gene. It is expected to disrupt RNA splicing. Variants that disrupt the donor or acceptor splice site typically lead to a loss of protein function (PMID: 16199547), and loss-of-function variants in RASGRP2 are known to be pathogenic (PMID: 27235135, 27663674). This variant is not present in population databases (gnomAD no frequency). This variant has not been reported in the literature in individuals affected with RASGRP2-related conditions. Algorithms developed to predict the effect of sequence changes on RNA splicing suggest that this variant may disrupt the consensus splice site. In summary, the currently available evidence indicates that the variant is pathogenic, but additional data are needed to prove that conclusively. Therefore, this variant has been classified as Likely Pathogenic.

Literature cited by the submitters: PubMed 16199547; PubMed 27235135; PubMed 27663674.